The following is an entry in ClinVar:

NM_000260.4(MYO7A):c.2416C>G (p.Leu806Val)

Gene: MYO7A (myosin VIIA; plus strand). Cytogenetic location: 11q13.5.
Variant type: single nucleotide variant.
Coding change: c.2416C>G on transcript NM_000260.4 (MANE Select); coding-DNA position 2416, C replaced by G.
Protein change: p.Leu806Val; replaces leucine 806 with valine.
Molecular consequence: missense variant.
Genome position (GRCh38, 1-based): chr11:77,179,783, C>G. VCF-style: chr11-77179783-C-G. GRCh37 (hg19) VCF-style: chr11-76890829-C-G.
Other names: c.2416C>G, p.Leu806Val (NM_001127180.2); c.2383C>G, p.Leu795Val (NM_001369365.1); short protein forms L806V, L795V.
Identifiers: ClinVar variation 2954619 (VCV002954619.3), dbSNP rs2497174583, ClinGen allele CA381941537.

ClinVar aggregate classification (germline): Uncertain significance (1 of 4 stars; one submission).

Allele frequency attached by ClinVar (database versions not stated): gnomAD exomes below 0.00001.
gnomAD v4.1: 3 of 1,551,870 alleles (0.00019%); highest among the groups gnomAD compares: Non-Finnish European, 0.00026%; no homozygotes.

Submission:

Labcorp Genetics (formerly Invitae), Labcorp
Classification: Uncertain significance. Last evaluated: 2025-09-02. Review status: criteria provided, single submitter. Criteria: Invitae Variant Classification Sherloc (09022015). Collection method: clinical testing. Allele origin: germline.
Comment: This sequence change replaces leucine, which is neutral and non-polar, with valine, which is neutral and non-polar, at codon 806 of the MYO7A protein (p.Leu806Val). This variant is not present in population databases (gnomAD no frequency). This variant has not been reported in the literature in individuals affected with MYO7A-related conditions. ClinVar contains an entry for this variant (Variation ID: 2954619). Invitae Evidence Modeling of protein sequence and biophysical properties (such as structural, functional, and spatial information, amino acid conservation, physicochemical variation, residue mobility, and thermodynamic stability) indicates that this missense variant is not expected to disrupt MYO7A protein function with a negative predictive value of 95%. In summary, the available evidence is currently insufficient to determine the role of this variant in disease. Therefore, it has been classified as a Variant of Uncertain Significance.